The following is an entry in ClinVar:

ClinVar aggregate classification (germline): Likely pathogenic (1 of 4 stars; one submission).

Submission:

Labcorp Genetics (formerly Invitae), Labcorp
Classification: Likely pathogenic. Last evaluated: 2022-09-29. Review status: criteria provided, single submitter. Criteria: Invitae Variant Classification Sherloc (09022015). Collection method: clinical testing. Allele origin: germline.
Comment: This sequence change affects a donor splice site in intron 23 of the PLXNA1 gene. It is expected to disrupt RNA splicing. Variants that disrupt the donor or acceptor splice site typically lead to a loss of protein function (PMID: 16199547), and loss-of-function variants in PLXNA1 are known to be pathogenic (PMID: 34054129). In summary, the currently available evidence indicates that the variant is pathogenic, but additional data are needed to prove that conclusively. Therefore, this variant has been classified as Likely Pathogenic. Algorithms developed to predict the effect of sequence changes on RNA splicing suggest that this variant may disrupt the consensus splice site. This variant has not been reported in the literature in individuals affected with PLXNA1-related conditions. This variant is not present in population databases (gnomAD no frequency).

Literature cited by the submitters: PubMed 16199547; PubMed 34054129.

NM_032242.4(PLXNA1):c.4509+1G>T

Gene: PLXNA1 (plexin A1; plus strand). Cytogenetic location: 3q21.3.
Variant type: single nucleotide variant.
Coding change: c.4509+1G>T on transcript NM_032242.4 (MANE Select); the canonical splice donor site of the intron after coding-DNA position 4509, G replaced by T.
Molecular consequence: splice donor variant.
Genome position (GRCh38, 1-based): chr3:127,028,087, G>T. VCF-style: chr3-127028087-G-T. GRCh37 (hg19) VCF-style: chr3-126746930-G-T.
Identifiers: ClinVar variation 2031519 (VCV002031519.4), dbSNP rs1394805238, ClinGen allele CA354399249.